The following is an entry in ClinVar:

ClinVar aggregate classification (germline): Uncertain significance (1 of 4 stars; one submission).

Conditions:
TTN-related disorder. Also called: TTN-related condition; TTN-related disease; TTN-related disorders.

gnomAD v4.1: 4 of 1,607,910 alleles (0.00025%); highest among the groups gnomAD compares: East Asian, 0.0022%; no homozygotes.

Submission:

PreventionGenetics, part of Exact Sciences
Classification: Uncertain significance for TTN-related condition. Last evaluated: 2026-08-17. Review status: criteria provided, single submitter. Criteria: ACMG Guidelines, 2015. Collection method: clinical testing. Allele origin: germline.
Comment: The TTN c.25094A>C variant is predicted to result in the amino acid substitution p.Lys8365Thr. To our knowledge, this variant has not been reported in the literature or in a large population database (gnomAD), indicating this variant is rare. At this time, the clinical significance of this variant is uncertain due to the absence of conclusive functional and genetic evidence.

NM_001267550.2(TTN):c.25094A>C (p.Lys8365Thr)

Gene: TTN (titin; minus strand). Cytogenetic location: 2q31.2.
Variant type: single nucleotide variant.
Coding change: c.25094A>C on transcript NM_001267550.2 (MANE Select); coding-DNA position 25094, A replaced by C.
Protein change: p.Lys8365Thr; replaces lysine 8365 with threonine.
Molecular consequence: missense variant. On other transcripts: intron variant (3).
Genome position (GRCh38, 1-based): chr2:178,717,780, T>G on the plus strand (A>C on the coding strand, the complement: TTN is on the minus strand). VCF-style: chr2-178717780-T-G. GRCh37 (hg19) VCF-style: chr2-179582507-T-G.
Other names: c.24143A>C, p.Lys8048Thr (NM_001256850.1); c.21362A>C, p.Lys7121Thr (NM_133378.4); c.13282+20302A>C (NM_003319.4); c.13858+20302A>C (NM_133437.4); c.13657+20302A>C (NM_133432.3); short protein forms K8048T, K7121T, K8365T.
Identifiers: ClinVar variation 4979495 (VCV004979495.1).